The following is an entry in ClinVar:

ClinVar aggregate classification (germline): Uncertain significance (1 of 4 stars; one submission).

Conditions:
Inborn genetic diseases. Identifiers: MedGen C0950123, MeSH D030342.

Submission:

Ambry Genetics
Classification: Uncertain significance for Inborn genetic diseases. Last evaluated: 2025-09-12. Review status: criteria provided, single submitter. Criteria: Ambry Variant Classification Scheme 2023. Collection method: clinical testing. Allele origin: germline.
Comment: The p.H1210P variant (also known as c.3629A>C), located in coding exon 17 of the MECOM gene, results from an A to C substitution at nucleotide position 3629. The histidine at codon 1210 is replaced by proline, an amino acid with similar properties. This amino acid position is conserved. In addition, the in silico prediction for this alteration is inconclusive. Based on the available evidence, the clinical significance of this variant remains unclear.

NM_004991.4(MECOM):c.3629A>C (p.His1210Pro)

Gene: MECOM (MDS1 and EVI1 complex locus; minus strand). Cytogenetic location: 3q26.2.
Variant type: single nucleotide variant.
Coding change: c.3629A>C on transcript NM_004991.4 (MANE Select); coding-DNA position 3629, A replaced by C.
Protein change: p.His1210Pro; replaces histidine 1210 with proline.
Molecular consequence: missense variant.
Genome position (GRCh38, 1-based): chr3:169,085,000, T>G on the plus strand (A>C on the coding strand, the complement: MECOM is on the minus strand). VCF-style: chr3-169085000-T-G. GRCh37 (hg19) VCF-style: chr3-168802788-T-G.
Other names: c.3260A>C, p.His1087Pro (NM_001105077.4); c.3065A>C, p.His1022Pro (NM_001105078.4, NM_001205194.2, NM_001366469.2 and 1 more transcripts); c.3041A>C, p.His1014Pro (NM_001163999.2, NM_001366470.2); c.3038A>C, p.His1013Pro (NM_001164000.2, NM_001366471.2, NM_001366472.2); c.3602A>C, p.His1201Pro (NM_001366466.2); c.3068A>C, p.His1023Pro (NM_001366467.2, NM_001366468.2); c.2630A>C, p.His877Pro (NM_001366473.2); c.2066A>C, p.His689Pro (NM_001366474.2); short protein forms H1201P, H1022P, H1023P, H1210P, H877P, H1013P, H1014P, H1087P.
Identifiers: ClinVar variation 4105926 (VCV004105926.1).